The following is an entry in ClinVar:

NM_007194.4(CHEK2):c.557del (p.Asn186fs)

Gene: CHEK2 (checkpoint kinase 2; minus strand). Cytogenetic location: 22q12.1.
Variant type: Deletion.
Coding change: c.557del on transcript NM_007194.4 (MANE Select); coding-DNA position 557, one base deleted (A; older notation c.557delA).
Protein change: p.Asn186fs; shifts the reading frame from asparagine 186.
Molecular consequence: frameshift variant. On other transcripts: 5 prime UTR variant (2), intron variant (1).
Genome position (GRCh38, 1-based): chr22:28,725,012, T deleted on the plus strand (A on the coding strand, the reverse complement: CHEK2 is on the minus strand); the first of 2 consecutive T bases (chr22:28,725,012-28,725,013); deleting either gives the same sequence. VCF-style (leftmost placement, unchanged base first): chr22-28725011-AT-A. GRCh37 (hg19) VCF-style: chr22-29120999-AT-A.
Other names: c.686del, p.Asn229fs (NM_001005735.3, NM_001438294.1); c.-221del (NM_001257387.3); c.-107del (NM_001437942.1); c.650del, p.Asn217fs (NM_001438293.1, NM_001438295.1); c.557del, p.Asn186fs (NM_145862.3); c.445-89del (NM_001349956.3); short protein forms N229fs, N186fs, N217fs.
Identifiers: ClinVar variation 1375126 (VCV001375126.11), dbSNP rs2146057730, ClinGen allele CA2573157964.

ClinVar aggregate classification (germline): Pathogenic. Review status: criteria provided, multiple submitters, no conflicts (2 of 4 stars). 3 submissions from 3 submitters: Pathogenic (3). Last evaluated 2025-10-09.

Conditions:
Hereditary cancer-predisposing syndrome. Also called: Neoplastic Syndromes, Hereditary; Hereditary Cancer Syndrome; Tumor predisposition; Hereditary neoplastic syndrome. Identifiers: Orphanet 140162, MedGen C0027672, MeSH D009386, MONDO:0015356.
Familial cancer of breast. Also called: Hereditary breast cancer; BREAST CANCER, FAMILIAL; hereditary breast carcinoma. Identifiers: Orphanet 227535, MedGen C0346153, MONDO:0016419, OMIM 114480. Disease mechanism: loss of function.

Submissions (3):

Ambry Genetics
Classification: Pathogenic for Hereditary cancer-predisposing syndrome. Last evaluated: 2025-10-09. Review status: criteria provided, single submitter. Criteria: Ambry Variant Classification Scheme 2023. Collection method: clinical testing. Allele origin: germline.
Comment: The c.557delA pathogenic mutation, located in coding exon 3 of the CHEK2 gene, results from a deletion of one nucleotide at nucleotide position 557, causing a translational frameshift with a predicted alternate stop codon (p.N186Ifs*8). This variant is considered to be rare based on population cohorts in the Genome Aggregation Database (gnomAD). This alteration is expected to result in loss of function by premature protein truncation or nonsense-mediated mRNA decay. As such, this alteration is interpreted as a disease-causing mutation.

Myriad Genetics, Inc.
Classification: Pathogenic for Familial cancer of breast. Last evaluated: 2023-06-26. Review status: criteria provided, single submitter. Criteria: Myriad Autosomal Dominant, Autosomal Recessive and X-Linked Classification Criteria (2023). Collection method: clinical testing. Allele origin: unknown.
Comment: This variant is considered pathogenic. This variant creates a frameshift predicted to result in premature protein truncation.

Labcorp Genetics (formerly Invitae), Labcorp
Classification: Pathogenic for Familial cancer of breast. Last evaluated: 2021-05-17. Review status: criteria provided, single submitter. Criteria: Invitae Variant Classification Sherloc (09022015). Collection method: clinical testing. Allele origin: germline.
Comment: This sequence change creates a premature translational stop signal (p.Asn186Ilefs*8) in the CHEK2 gene. It is expected to result in an absent or disrupted protein product. Loss-of-function variants in CHEK2 are known to be pathogenic (PMID: 21876083, 24713400). This variant is not present in population databases (ExAC no frequency). For these reasons, this variant has been classified as Pathogenic. This variant has not been reported in the literature in individuals with CHEK2-related conditions.

Literature cited by the submitters: PubMed 21876083 (cited by Labcorp Genetics (formerly Invitae), Labcorp); PubMed 24713400 (cited by Labcorp Genetics (formerly Invitae), Labcorp).